The following is an entry in ClinVar:

ClinVar aggregate classification (germline): Uncertain significance. Review status: criteria provided, multiple submitters, no conflicts (2 of 4 stars). 2 submissions from 2 submitters: Uncertain significance (2). Last evaluated 2024-01-03.

Conditions:
Sulfite oxidase deficiency due to molybdenum cofactor deficiency type C. Also called: Molybdenum cofactor deficiency, complementation group C; Molybdenum cofactor deficiency C. Identifiers: Orphanet 308400, Orphanet 833, MedGen C1854990, MONDO:0014212, OMIM 615501.
Inborn genetic diseases. Identifiers: MedGen C0950123, MeSH D030342.

Allele frequency attached by ClinVar (database versions not stated): ExAC 0.00002; gnomAD exomes 0.00002; TOPMed 0.00002; gnomAD 0.00003; ESP Exome Variant Server 0.00008.
gnomAD v4.1: 36 of 1,612,578 alleles (0.0022%); highest among the groups gnomAD compares: Admixed American, 0.0033%; no homozygotes.

Submissions (2):

Ambry Genetics
Classification: Uncertain significance for Inborn genetic diseases. Last evaluated: 2024-01-03. Review status: criteria provided, single submitter. Criteria: Ambry Variant Classification Scheme 2023. Collection method: clinical testing. Allele origin: germline.

Labcorp Genetics (formerly Invitae), Labcorp
Classification: Uncertain significance for Sulfite oxidase deficiency due to molybdenum cofactor deficiency type C. Last evaluated: 2023-08-24. Review status: criteria provided, single submitter. Criteria: Invitae Variant Classification Sherloc (09022015). Collection method: clinical testing. Allele origin: germline.
Comment: In summary, the available evidence is currently insufficient to determine the role of this variant in disease. Therefore, it has been classified as a Variant of Uncertain Significance. Advanced modeling of protein sequence and biophysical properties (such as structural, functional, and spatial information, amino acid conservation, physicochemical variation, residue mobility, and thermodynamic stability) performed at Invitae indicates that this missense variant is not expected to disrupt GPHN protein function. ClinVar contains an entry for this variant (Variation ID: 1395598). This variant has not been reported in the literature in individuals affected with GPHN-related conditions. This variant is present in population databases (rs371904779, gnomAD 0.004%). This sequence change replaces arginine, which is basic and polar, with histidine, which is basic and polar, at codon 170 of the GPHN protein (p.Arg170His).

NM_020806.5(GPHN):c.509G>A (p.Arg170His)

Gene: GPHN (gephyrin; plus strand). Cytogenetic location: 14q23.3.
Variant type: single nucleotide variant.
Coding change: c.509G>A on transcript NM_020806.5 (MANE Select); coding-DNA position 509, G replaced by A.
Protein change: p.Arg170His; replaces arginine 170 with histidine.
Molecular consequence: missense variant.
Genome position (GRCh38, 1-based): chr14:66,922,718, G>A. VCF-style: chr14-66922718-G-A. GRCh37 (hg19) VCF-style: chr14-67389435-G-A.
Other names: c.509G>A, p.Arg170His (NM_001024218.2, NM_001377515.1, NM_001377516.1 and 2 more transcripts); c.548G>A, p.Arg183His (NM_001377514.1, NM_001377519.1); c.509G>A (NM_020806.4); short protein forms R170H, R183H.
Identifiers: ClinVar variation 1395598 (VCV001395598.8), dbSNP rs371904779, ClinGen allele CA7233777.